The following is an entry in ClinVar:

NM_000444.6(PHEX):c.1519C>G (p.Leu507Val)

Gene: PHEX (phosphate regulating endopeptidase X-linked; plus strand). Cytogenetic location: Xp22.11.
Variant type: single nucleotide variant.
Coding change: c.1519C>G on transcript NM_000444.6 (MANE Select); coding-DNA position 1519, C replaced by G.
Protein change: p.Leu507Val; replaces leucine 507 with valine.
Molecular consequence: missense variant.
Genome position (GRCh38, 1-based): chrX:22,178,309, C>G. VCF-style: chrX-22178309-C-G. GRCh37 (hg19) VCF-style: chrX-22196426-C-G.
Other names: c.1519C>G, p.Leu507Val (NM_001282754.2); short protein forms L507V.
Identifiers: ClinVar variation 1015122 (VCV001015122.9), dbSNP rs1933773605, ClinGen allele CA412574858.

ClinVar aggregate classification (germline): Uncertain significance (1 of 4 stars; one submission).

Submission:

Labcorp Genetics (formerly Invitae), Labcorp
Classification: Uncertain significance. Last evaluated: 2020-01-21. Review status: criteria provided, single submitter. Criteria: Invitae Variant Classification Sherloc (09022015). Collection method: clinical testing. Allele origin: germline.
Comment: In summary, the available evidence is currently insufficient to determine the role of this variant in disease. Therefore, it has been classified as a Variant of Uncertain Significance. Algorithms developed to predict the effect of missense changes on protein structure and function are either unavailable or do not agree on the potential impact of this missense change (SIFT: "Deleterious"; PolyPhen-2: "Benign"; Align-GVGD: "Class C0"). This variant has not been reported in the literature in individuals with PHEX-related conditions. This variant is not present in population databases (ExAC no frequency). This sequence change replaces leucine with valine at codon 507 of the PHEX protein (p.Leu507Val). The leucine residue is moderately conserved and there is a small physicochemical difference between leucine and valine.